The following is an entry in ClinVar:

NM_000136.3(FANCC):c.349_360del (p.Val117_His120del)

Gene: FANCC (FA complementation group C; minus strand). Cytogenetic location: 9q22.32.
Variant type: Deletion.
Coding change: c.349_360del on transcript NM_000136.3 (MANE Select); coding-DNA positions 349 to 360, 12 bases deleted (GTATTATCTCAT).
Protein change: p.Val117_His120del.
Molecular consequence: inframe deletion.
Genome position (GRCh38, 1-based): chr9:95,172,133-95,172,144, ATGAGATAATAC deleted on the plus strand (GTATTATCTCAT on the coding strand, the reverse complement: FANCC is on the minus strand); deleting any 12 consecutive bases within chr9:95,172,133-95,172,145 gives the same sequence; the c. name uses the placement nearest the transcript's 3' end. VCF-style (leftmost placement, unchanged base first): chr9-95172132-TATGAGATAATAC-T. GRCh37 (hg19) VCF-style: chr9-97934414-TATGAGATAATAC-T.
Other names: c.349_360del12 (NM_000136.2); c.349_360delGTATTATCTCAT (NM_000136.2); c.349_360del, p.Val117_His120del (NM_001243743.2, NM_001243744.2).
Identifiers: ClinVar variation 970500 (VCV000970500.11), dbSNP rs1825723799, ClinGen allele CA1139661057.

ClinVar aggregate classification (germline): Uncertain significance. Review status: criteria provided, multiple submitters, no conflicts (2 of 4 stars). 4 submissions from 4 submitters: Uncertain significance (3). 1 of the submissions does not count toward it. Last evaluated 2023-07-28.

Conditions:
Hereditary cancer-predisposing syndrome. Also called: Neoplastic Syndromes, Hereditary; Hereditary Cancer Syndrome; Tumor predisposition; Hereditary neoplastic syndrome. Identifiers: Orphanet 140162, MedGen C0027672, MeSH D009386, MONDO:0015356.
Fanconi anemia (FA). Also called: Fanconi's anemia. Identifiers: Orphanet 84, MedGen C0015625, MeSH D005199, MONDO:0019391.

Submissions (4):

Ambry Genetics
Classification: Uncertain significance for Hereditary cancer-predisposing syndrome. Last evaluated: 2023-07-28. Review status: criteria provided, single submitter. Criteria: Ambry Variant Classification Scheme 2023. Collection method: clinical testing. Allele origin: germline.
Comment: The c.349_360del12 variant (also known as p.V117_H120del) is located in coding exon 4 of the FANCC gene. This variant results from an in-frame deletion of 12 nucleotides (GTATTATCTCAT) at nucleotide positions 349 to 360. This results in the in-frame deletion of 4 amino acids (VLSH) at codons 117 to 120. These amino acid positions are generally well conserved in available vertebrate species. In addition, this alteration is predicted to be deleterious by in silico analysis (Choi Y et al. PLoS ONE. 2012; 7(10):e46688). Since supporting evidence is limited at this time, the clinical significance of this alteration remains unclear.

GeneDx
Classification: Uncertain significance. Last evaluated: 2021-02-22. Review status: criteria provided, single submitter. Criteria: GeneDx Variant Classification Process June 2021. Collection method: clinical testing. Allele origin: germline. Affected: yes.
Comment: Not observed at a significant frequency in large population cohorts (Lek 2016, Zhong 2020); In-frame deletion of 4 amino acids in a non-repeat region; In silico analysis supports a deleterious effect on protein structure/function; Has not been previously published as pathogenic or benign to our knowledge

Labcorp Genetics (formerly Invitae), Labcorp
Classification: Uncertain significance for Fanconi anemia. Last evaluated: 2019-12-04. Review status: criteria provided, single submitter. Criteria: Invitae Variant Classification Sherloc (09022015). Collection method: clinical testing. Allele origin: germline.
Comment: This variant, c.349_360del, results in the deletion of 4 amino acids of the FANCC protein (p.Val117_His120del), but otherwise preserves the integrity of the reading frame. This variant is not present in population databases (ExAC no frequency). This variant has not been reported in the literature in individuals with FANCC-related conditions. Experimental studies and prediction algorithms are not available or were not evaluated, and the functional significance of this variant is currently unknown. In summary, the available evidence is currently insufficient to determine the role of this variant in disease. Therefore, it has been classified as a Variant of Uncertain Significance.

Natera, Inc.
Classification: Uncertain significance for Fanconi anemia. Last evaluated: 2021-07-27. Review status: no assertion criteria provided. Collection method: clinical testing. Allele origin: germline. Not counted in ClinVar's aggregate classification.